The following is an entry in ClinVar:

NM_144643.4(SCLT1):c.1373G>T (p.Arg458Leu)

Gene: SCLT1 (sodium channel and clathrin linker 1; minus strand). Cytogenetic location: 4q28.2.
Variant type: single nucleotide variant.
Coding change: c.1373G>T on transcript NM_144643.4 (MANE Select); coding-DNA position 1373, G replaced by T.
Protein change: p.Arg458Leu; replaces arginine 458 with leucine.
Molecular consequence: missense variant.
Genome position (GRCh38, 1-based): chr4:128,946,073, C>A on the plus strand (G>T on the coding strand, the complement: SCLT1 is on the minus strand). VCF-style: chr4-128946073-C-A. GRCh37 (hg19) VCF-style: chr4-129867228-C-A.
Other names: short protein forms R458L.
Identifiers: ClinVar variation 1356589 (VCV001356589.5), dbSNP rs112358448, ClinGen allele CA358186531.

ClinVar aggregate classification (germline): Uncertain significance (1 of 4 stars; one submission).

Allele frequency attached by ClinVar (database versions not stated): 1000 Genomes Project 30x 0.00016.
gnomAD v4.1: 11 of 1,609,074 alleles (0.00068%); highest among the groups gnomAD compares: East Asian, 0.016%; no homozygotes.

Submission:

Labcorp Genetics (formerly Invitae), Labcorp
Classification: Uncertain significance. Last evaluated: 2021-08-27. Review status: criteria provided, single submitter. Criteria: Invitae Variant Classification Sherloc (09022015). Collection method: clinical testing. Allele origin: germline.
Comment: This sequence change replaces arginine with leucine at codon 458 of the SCLT1 protein (p.Arg458Leu). The arginine residue is highly conserved and there is a moderate physicochemical difference between arginine and leucine. This variant is not present in population databases (ExAC no frequency). This variant has not been reported in the literature in individuals affected with SCLT1-related conditions. Algorithms developed to predict the effect of missense changes on protein structure and function are either unavailable or do not agree on the potential impact of this missense change (SIFT: "Deleterious"; PolyPhen-2: "Possibly Damaging"; Align-GVGD: "Class C15"). In summary, the available evidence is currently insufficient to determine the role of this variant in disease. Therefore, it has been classified as a Variant of Uncertain Significance.